The following is an entry in ClinVar:

ClinVar aggregate classification (germline): Uncertain significance. Review status: criteria provided, multiple submitters, no conflicts (2 of 4 stars). 3 submissions from 3 submitters: Uncertain significance (3). Last evaluated 2026-09-15.

Conditions:
Inborn genetic diseases. Identifiers: MedGen C0950123, MeSH D030342.
PCNT-related disorder. Also called: PCNT-related condition.
Microcephalic osteodysplastic primordial dwarfism type II (MOPD2). Also called: Microcephalic osteodysplastic primordial dwarfism with tooth abnormalities; MOPD II; OSTEODYSPLASTIC PRIMORDIAL DWARFISM, TYPE II. Identifiers: Orphanet 2637, MedGen C0432246, MONDO:0008872, OMIM 210720.

Allele frequency attached by ClinVar (database versions not stated): TOPMed 0.00003; gnomAD 0.00005; ExAC 0.00012; ESP Exome Variant Server 0.00015.
gnomAD v4.1: 204 of 1,613,836 alleles (0.013%); highest among the groups gnomAD compares: Non-Finnish European, 0.016%; no homozygotes.

Submissions (3):

PreventionGenetics, part of Exact Sciences
Classification: Uncertain significance for PCNT-related condition. Last evaluated: 2026-09-15. Review status: criteria provided, single submitter. Criteria: ACMG Guidelines, 2015. Collection method: clinical testing. Allele origin: germline.
Comment: The PCNT c.1181T>C variant is predicted to result in the amino acid substitution p.Ile394Thr. To our knowledge, this variant has not been reported in the literature. This variant is reported in 0.012% of alleles in individuals of European (Finnish) descent in gnomAD. At this time, the clinical significance of this variant is uncertain due to the absence of conclusive functional and genetic evidence.

Ambry Genetics
Classification: Uncertain significance for Inborn genetic diseases. Last evaluated: 2025-06-24. Review status: criteria provided, single submitter. Criteria: Ambry Variant Classification Scheme 2023. Collection method: clinical testing. Allele origin: germline.

Illumina Laboratory Services, Illumina
Classification: Uncertain significance for Microcephalic osteodysplastic primordial dwarfism type II. Last evaluated: 2018-01-13. Review status: criteria provided, single submitter. Criteria: ICSL Variant Classification Criteria 13 December 2019. Collection method: clinical testing. Allele origin: germline.

NM_006031.6(PCNT):c.1181T>C (p.Ile394Thr)

Gene: PCNT (pericentrin; plus strand). Cytogenetic location: 21q22.3.
Variant type: single nucleotide variant.
Coding change: c.1181T>C on transcript NM_006031.6 (MANE Select); coding-DNA position 1181, T replaced by C.
Protein change: p.Ile394Thr; replaces isoleucine 394 with threonine.
Molecular consequence: missense variant.
Genome position (GRCh38, 1-based): chr21:46,349,160, T>C. VCF-style: chr21-46349160-T-C. GRCh37 (hg19) VCF-style: chr21-47769074-T-C.
Other names: c.827T>C, p.Ile276Thr (NM_001315529.2); short protein forms I394T, I276T.
Identifiers: ClinVar variation 896753 (VCV000896753.8), dbSNP rs200545088, ClinGen allele CA10078527.
Genomic context (GRCh38, chr21:46,349,160, plus strand): 5'-AGGATTTACAAAACCAGTTTCAGAAAGAATTGGCAGAACAGAGAGCTGAGTTGGAGAAGA[T>C]TTTTCAAGACAAAAACCAGGCTGAACGTAAGTAATGAAAATGAGCAAGTTTGGAGTGGGA-3'
Protein context (NP_006022.3, residues 384-404): LAEQRAELEK[Ile394Thr]FQDKNQAERA